The following is an entry in ClinVar:

ClinVar aggregate classification (germline): Uncertain significance. Review status: criteria provided, multiple submitters, no conflicts (2 of 4 stars). 2 submissions from 2 submitters: Uncertain significance (2). Last evaluated 2025-12-15.

Conditions:
Cardiovascular phenotype. Identifiers: MedGen CN230736.
Capillary malformation-arteriovenous malformation syndrome. Also called: Capillary malformation-arteriovenous malformation. Identifiers: Orphanet 137667, MedGen C1842180, MONDO:0012016.

Allele frequency attached by ClinVar (database versions not stated): gnomAD exomes below 0.00001 and 0.00001; gnomAD 0.00005 and 0.00006; ExAC 0.00001; ESP Exome Variant Server 0.00015; TOPMed 0.00003.
gnomAD v4.1: 10 of 1,600,002 alleles (0.00062%); highest among the groups gnomAD compares: African/African-American, 0.012%; no homozygotes.

Submissions (2):

Ambry Genetics
Classification: Uncertain significance for Cardiovascular phenotype. Last evaluated: 2025-12-15. Review status: criteria provided, single submitter. Criteria: Ambry Variant Classification Scheme 2023. Collection method: clinical testing. Allele origin: germline.

Labcorp Genetics (formerly Invitae), Labcorp
Classification: Uncertain significance for Capillary malformation-arteriovenous malformation syndrome. Last evaluated: 2024-10-21. Review status: criteria provided, single submitter. Criteria: Invitae Variant Classification Sherloc (09022015). Collection method: clinical testing. Allele origin: germline.
Comment: This sequence change replaces alanine, which is neutral and non-polar, with threonine, which is neutral and polar, at codon 470 of the RASA1 protein (p.Ala470Thr). This variant is present in population databases (rs144748261, gnomAD 0.01%). This variant has not been reported in the literature in individuals affected with RASA1-related conditions. ClinVar contains an entry for this variant (Variation ID: 1497290). An algorithm developed to predict the effect of missense changes on protein structure and function (PolyPhen-2) suggests that this variant is likely to be disruptive. In summary, the available evidence is currently insufficient to determine the role of this variant in disease. Therefore, it has been classified as a Variant of Uncertain Significance.

NM_002890.3(RASA1):c.1408G>A (p.Ala470Thr)

Genes: CCNH (cyclin H; minus strand), RASA1 (RAS p21 protein activator 1; plus strand). Cytogenetic location: 5q14.3.
Variant type: single nucleotide variant.
Coding change: c.1408G>A on transcript NM_002890.3 (MANE Select); coding-DNA position 1408, G replaced by A.
Protein change: p.Ala470Thr; replaces alanine 470 with threonine.
Molecular consequence: missense variant. On other transcripts: intron variant (1).
Genome position (GRCh38, 1-based): chr5:87,362,626, G>A. VCF-style: chr5-87362626-G-A. GRCh37 (hg19) VCF-style: chr5-86658443-G-A.
Other names: c.877G>A, p.Ala293Thr (NM_022650.3); c.933+32418C>T (NM_001364075.2); short protein forms A293T, A470T.
Identifiers: ClinVar variation 1497290 (VCV001497290.9), dbSNP rs144748261, ClinGen allele CA3335743.
Genomic context (GRCh38, chr5:87,362,626, plus strand): 5'-CTCAATGACACAGTGGATGGCAAGGAAATCTATAATACCATCCGTCGTAAAACAAAGGAT[G>A]CCTTTTATAAAAACATTGTTAAGAAAGGTTATCTTCTGAAAAAGGGTAAGTTCAGACTTT-3'
Protein context (NP_002881.1, residues 460-480): YNTIRRKTKD[Ala470Thr]FYKNIVKKGY